The following is an entry in ClinVar:

NM_001006630.2(CHRM2):c.217G>A (p.Gly73Ser)

Genes: CHRM2 (cholinergic receptor muscarinic 2; plus strand), LOC349160 (uncharacterized LOC349160; minus strand). Cytogenetic location: 7q33.
Variant type: single nucleotide variant.
Coding change: c.217G>A on transcript NM_001006630.2 (MANE Select); coding-DNA position 217, G replaced by A.
Protein change: p.Gly73Ser; replaces glycine 73 with serine.
Molecular consequence: missense variant.
Genome position (GRCh38, 1-based): chr7:137,015,082, G>A. VCF-style: chr7-137015082-G-A. GRCh37 (hg19) VCF-style: chr7-136699829-G-A.
Other names: c.217G>A, p.Gly73Ser (NM_001006631.3, NM_001006632.3, NM_001378972.1 and 6 more transcripts); short protein forms G73S.
Identifiers: ClinVar variation 2853113 (VCV002853113.3), dbSNP rs11773032, ClinGen allele CA167698536.

ClinVar aggregate classification (germline): Uncertain significance (1 of 4 stars; one submission).

Submission:

Labcorp Genetics (formerly Invitae), Labcorp
Classification: Uncertain significance. Last evaluated: 2023-04-07. Review status: criteria provided, single submitter. Criteria: Invitae Variant Classification Sherloc (09022015). Collection method: clinical testing. Allele origin: germline.
Comment: This sequence change replaces glycine, which is neutral and non-polar, with serine, which is neutral and polar, at codon 73 of the CHRM2 protein (p.Gly73Ser). This variant is not present in population databases (gnomAD no frequency). This variant has not been reported in the literature in individuals affected with CHRM2-related conditions. An algorithm developed to predict the effect of missense changes on protein structure and function (PolyPhen-2) suggests that this variant is likely to be disruptive. In summary, the available evidence is currently insufficient to determine the role of this variant in disease. Therefore, it has been classified as a Variant of Uncertain Significance.